The following is an entry in ClinVar:

ClinVar aggregate classification (germline): Uncertain significance (1 of 4 stars; one submission).

Conditions:
Fibrous dysplasia of jaw (CRBM). Also called: Cherubism. Identifiers: Orphanet 184, MedGen C0008029, MONDO:0007315, OMIM 118400.

Allele frequency attached by ClinVar (database versions not stated): ExAC 0.00001; gnomAD exomes 0.00001.
gnomAD v4.1: 4 of 1,613,080 alleles (0.00025%); highest among the groups gnomAD compares: Non-Finnish European, 0.000085%; no homozygotes.

Submission:

Labcorp Genetics (formerly Invitae), Labcorp
Classification: Uncertain significance for Fibrous dysplasia of jaw. Last evaluated: 2019-07-10. Review status: criteria provided, single submitter. Criteria: Invitae Variant Classification Sherloc (09022015). Collection method: clinical testing. Allele origin: germline.
Comment: In summary, the available evidence is currently insufficient to determine the role of this variant in disease. Therefore, it has been classified as a Variant of Uncertain Significance. Algorithms developed to predict the effect of missense changes on protein structure and function are either unavailable or do not agree on the potential impact of this missense change (SIFT: "Deleterious"; PolyPhen-2: "Possibly Damaging"; Align-GVGD: "Class C0"). This variant has not been reported in the literature in individuals with SH3BP2-related conditions. This variant is present in population databases (rs773282036, ExAC 0.002%). This sequence change replaces threonine with isoleucine at codon 461 of the SH3BP2 protein (p.Thr461Ile). The threonine residue is moderately conserved and there is a moderate physicochemical difference between threonine and isoleucine.

NM_001122681.2(SH3BP2):c.1382C>T (p.Thr461Ile)

Gene: SH3BP2 (SH3 domain binding protein 2; plus strand). Cytogenetic location: 4p16.3.
Variant type: single nucleotide variant.
Coding change: c.1382C>T on transcript NM_001122681.2 (MANE Select); coding-DNA position 1382, C replaced by T.
Protein change: p.Thr461Ile; replaces threonine 461 with isoleucine.
Molecular consequence: missense variant.
Genome position (GRCh38, 1-based): chr4:2,831,954, C>T. VCF-style: chr4-2831954-C-T. GRCh37 (hg19) VCF-style: chr4-2833681-C-T.
Other names: c.1466C>T, p.Thr489Ile (NM_001145855.2); c.1553C>T, p.Thr518Ile (NM_001145856.2); c.1382C>T, p.Thr461Ile (NM_003023.4); short protein forms T461I, T518I, T489I.
Identifiers: ClinVar variation 946778 (VCV000946778.9), dbSNP rs773282036, ClinGen allele CA2819500.
Genomic context (GRCh38, chr4:2,831,954, plus strand): 5'-TTGGCACTGACACCGTCAGCCTCTTGCAGGTGCCACTGCCCAACTCGGTCTTCGTCAACA[C>T]CACGGAGTCCTGCGAAGTGGAAAGGTCAGCACAAAGCCCTGTGTGTGCTGGGTCCTCCGC-3'
Protein context (NP_001116153.1, residues 451-471): VPLPNSVFVN[Thr461Ile]TESCEVERLF